The following is an entry in ClinVar:

ClinVar aggregate classification (germline): Uncertain significance (1 of 4 stars; one submission).

Conditions:
Renal cell carcinoma. Identifiers: Orphanet 217071, MedGen C0007134, MeSH D002292, MONDO:0005086, HP:0005584.

Submission:

Labcorp Genetics (formerly Invitae), Labcorp
Classification: Uncertain significance for Renal cell carcinoma. Last evaluated: 2020-12-19. Review status: criteria provided, single submitter. Criteria: Invitae Variant Classification Sherloc (09022015). Collection method: clinical testing. Allele origin: germline.
Comment: This variant is not present in population databases (ExAC no frequency). This variant has not been reported in the literature in individuals with MET-related conditions. Algorithms developed to predict the effect of missense changes on protein structure and function (SIFT, PolyPhen-2, Align-GVGD) all suggest that this variant is likely to be disruptive, but these predictions have not been confirmed by published functional studies and their clinical significance is uncertain. In summary, the available evidence is currently insufficient to determine the role of this variant in disease. Therefore, it has been classified as a Variant of Uncertain Significance. This sequence change replaces lysine with asparagine at codon 1237 of the MET protein (p.Lys1237Asn). The lysine residue is highly conserved and there is a moderate physicochemical difference between lysine and asparagine.

NM_000245.4(MET):c.3657G>C (p.Lys1219Asn)

Gene: MET (MET proto-oncogene, receptor tyrosine kinase; plus strand). Cytogenetic location: 7q31.2.
Variant type: single nucleotide variant.
Coding change: c.3657G>C on transcript NM_000245.4 (MANE Select); coding-DNA position 3657, G replaced by C.
Protein change: p.Lys1219Asn; replaces lysine 1219 with asparagine.
Molecular consequence: missense variant.
Genome position (GRCh38, 1-based): chr7:116,783,328, G>C. VCF-style: chr7-116783328-G-C. GRCh37 (hg19) VCF-style: chr7-116423382-G-C.
Other names: c.3711G>C, p.Lys1237Asn (NM_001127500.3); c.2367G>C, p.Lys789Asn (NM_001324402.2); short protein forms K789N, K1237N, K1219N.
Identifiers: ClinVar variation 1495081 (VCV001495081.8), dbSNP rs1795207276, ClinGen allele CA368991465.